The following is an entry in ClinVar:

NM_015378.4(VPS13D):c.3106C>T (p.Arg1036Trp)

Gene: VPS13D (vacuolar protein sorting 13 homolog D; plus strand). Cytogenetic location: 1p36.22.
Variant type: single nucleotide variant.
Coding change: c.3106C>T on transcript NM_015378.4 (MANE Select); coding-DNA position 3106, C replaced by T.
Protein change: p.Arg1036Trp; replaces arginine 1036 with tryptophan.
Molecular consequence: missense variant.
Genome position (GRCh38, 1-based): chr1:12,276,694, C>T. VCF-style: chr1-12276694-C-T. GRCh37 (hg19) VCF-style: chr1-12336751-C-T.
Other names: c.3106C>T, p.Arg1036Trp (NM_018156.4); c.3106C>T (NM_015378.2); short protein forms R1036W.
Identifiers: ClinVar variation 1805222 (VCV001805222.4), dbSNP rs200357229, ClinGen allele CA601918.

ClinVar aggregate classification (germline): Uncertain significance. Review status: criteria provided, multiple submitters, no conflicts (2 of 4 stars). 2 submissions from 2 submitters: Uncertain significance (2). Last evaluated 2022-09-29.

Conditions:
Inborn genetic diseases. Identifiers: MedGen C0950123, MeSH D030342.
Autosomal recessive cerebellar ataxia-saccadic intrusion syndrome. Also called: SPINOCEREBELLAR ATAXIA 24; VPS13D Movement Disorder. Identifiers: Orphanet 95434, MedGen C1846492, MONDO:0011811, OMIM 607317.

Allele frequency attached by ClinVar (database versions not stated): ExAC 0.00005; gnomAD 0.00005; TOPMed 0.00005.

Submissions (2):

Ambry Genetics
Classification: Uncertain significance for Inborn genetic diseases. Last evaluated: 2022-09-29. Review status: criteria provided, single submitter. Criteria: Ambry Variant Classification Scheme 2023. Collection method: clinical testing. Allele origin: germline.

Victorian Clinical Genetics Services, Murdoch Childrens Research Institute
Classification: Uncertain significance for Autosomal recessive cerebellar ataxia-saccadic intrusion syndrome. Last evaluated: 2022-02-02. Review status: criteria provided, single submitter. Criteria: ACMG Guidelines, 2015. Collection method: clinical testing. Allele origin: germline. Inheritance: Autosomal recessive inheritance.
Comment: Based on the classification scheme VCGS_Germline_v1.3.4, this variant is classified as VUS-3B. Following criteria are met: 0102 - Loss of function is a known mechanism of disease in this gene and is associated with spinocerebellar ataxia, autosomal recessive 4 (MIM#607317). (I) 0106 - This gene is associated with autosomal recessive disease. (I) 0200 - Variant is predicted to result in a missense amino acid change from arginine to tryptophan. (I) 0252 - This variant is homozygous. (I) 0304 - Variant is present in gnomAD <0.01 for a recessive condition (v2: 9 heterozygotes, 0 homozygotes). (SP) 0309 - An alternative amino acid change at the same position has been observed in gnomAD (v2: 27 heterozygotes, 0 homozygotes). (I) 0501 - Missense variant consistently predicted to be damaging by multiple in silico tools or highly conserved with a major amino acid change. (SP) 0604 - Variant is not located in an established domain, motif, hotspot or informative constraint region. (I) 0710 - Another missense variant comparable to the one identified in this case has inconclusive previous evidence for pathogenicity. Our laboratory has previously classified p.(Arg1036Gln) as a variant of uncertain significance, identified in a heterozygote. (I) 0807 - This variant has no previous evidence of pathogenicity. (I) 0905 - No published segregation evidence has been identified for this variant. (I) 1007 - No published functional evidence has been identified for this variant. (I) 1208 - Inheritance information for this variant is not currently available in this individual. (I) Legend: (SP) - Supporting pathogenic, (I) - Information, (SB) - Supporting benign